The following is an entry in ClinVar:

NM_014141.6(CNTNAP2):c.13C>A (p.Pro5Thr)

Gene: CNTNAP2 (contactin associated protein 2; plus strand). Cytogenetic location: 7q35.
Variant type: single nucleotide variant.
Coding change: c.13C>A on transcript NM_014141.6 (MANE Select); coding-DNA position 13, C replaced by A.
Protein change: p.Pro5Thr; replaces proline 5 with threonine.
Molecular consequence: missense variant.
Genome position (GRCh38, 1-based): chr7:146,116,889, C>A. VCF-style: chr7-146116889-C-A. GRCh37 (hg19) VCF-style: chr7-145813981-C-A.
Other names: short protein forms P5T.
Identifiers: ClinVar variation 1058178 (VCV001058178.9), dbSNP rs1797490961, ClinGen allele CA369921998.

ClinVar aggregate classification (germline): Uncertain significance (1 of 4 stars; one submission).

Conditions:
Cortical dysplasia-focal epilepsy syndrome (PTHSL1). Also called: Pitt-Hopkins-like syndrome 1. Identifiers: Orphanet 163681, Orphanet 221150, MedGen C2750246, MONDO:0012400, OMIM 610042.

Submission:

Labcorp Genetics (formerly Invitae), Labcorp
Classification: Uncertain significance for Cortical dysplasia-focal epilepsy syndrome. Last evaluated: 2020-04-23. Review status: criteria provided, single submitter. Criteria: Invitae Variant Classification Sherloc (09022015). Collection method: clinical testing. Allele origin: germline.
Comment: In summary, the available evidence is currently insufficient to determine the role of this variant in disease. Therefore, it has been classified as a Variant of Uncertain Significance. Algorithms developed to predict the effect of missense changes on protein structure and function (SIFT, PolyPhen-2, Align-GVGD) all suggest that this variant is likely to be tolerated, but these predictions have not been confirmed by published functional studies and their clinical significance is uncertain. This variant has not been reported in the literature in individuals with CNTNAP2-related conditions. The frequency data for this variant in the population databases is considered unreliable, as metrics indicate insufficient coverage at this position in the ExAC database. This sequence change replaces proline with threonine at codon 5 of the CNTNAP2 protein (p.Pro5Thr). The proline residue is weakly conserved and there is a small physicochemical difference between proline and threonine.